The following is an entry in ClinVar:

ClinVar aggregate classification (germline): Pathogenic (1 of 4 stars; one submission).

Conditions:
Inborn genetic diseases. Identifiers: MedGen C0950123, MeSH D030342.

Submission:

Ambry Genetics
Classification: Pathogenic for Inborn genetic diseases. Last evaluated: 2024-09-25. Review status: criteria provided, single submitter. Criteria: Ambry Variant Classification Scheme 2023. Collection method: clinical testing. Allele origin: germline.
Comment: The c.1103delA (p.K368Sfs*13) alteration, located in exon 5 (coding exon 5) of the CHRNA3 gene, consists of a deletion of one nucleotide at position 1103, causing a translational frameshift with a predicted alternate stop codon after 13 amino acids. This alteration is expected to result in loss of function by premature protein truncation or nonsense-mediated mRNA decay. Based on data from gnomAD, this allele has an overall frequency of 0.002% (4/251244) total alleles studied. The highest observed frequency was 0.012% (2/16244) of African alleles. Based on the available evidence, this alteration is classified as pathogenic.

NM_000743.5(CHRNA3):c.1103del (p.Lys368fs)

Gene: CHRNA3 (cholinergic receptor nicotinic alpha 3 subunit; minus strand). Cytogenetic location: 15q25.1.
Variant type: Deletion.
Coding change: c.1103del on transcript NM_000743.5 (MANE Select); coding-DNA position 1103, one base deleted (A; older notation c.1103delA).
Protein change: p.Lys368fs; shifts the reading frame from lysine 368.
Molecular consequence: frameshift variant. On other transcripts: non-coding transcript variant (1).
Genome position (GRCh38, 1-based): chr15:78,601,539, T deleted on the plus strand (A on the coding strand, the reverse complement: CHRNA3 is on the minus strand); the first of 2 consecutive T bases (chr15:78,601,539-78,601,540); deleting either gives the same sequence. VCF-style (leftmost placement, unchanged base first): chr15-78601538-CT-C. GRCh37 (hg19) VCF-style: chr15-78893880-CT-C.
Other names: c.1103del, p.Lys368fs (NM_001166694.2); short protein forms K368fs.
Identifiers: ClinVar variation 3492531 (VCV003492531.1).